The following is an entry in ClinVar:

NM_005886.3(KATNB1):c.1568C>T (p.Thr523Met)

Gene: KATNB1 (katanin regulatory subunit B1; plus strand). Cytogenetic location: 16q21.
Variant type: single nucleotide variant.
Coding change: c.1568C>T on transcript NM_005886.3 (MANE Select); coding-DNA position 1568, C replaced by T.
Protein change: p.Thr523Met; replaces threonine 523 with methionine.
Molecular consequence: missense variant.
Genome position (GRCh38, 1-based): chr16:57,755,842, C>T. VCF-style: chr16-57755842-C-T. GRCh37 (hg19) VCF-style: chr16-57789754-C-T.
Other names: short protein forms T523M.
Identifiers: ClinVar variation 1172791 (VCV001172791.8), dbSNP rs142649985, ClinGen allele CA8081296.

ClinVar aggregate classification (germline): Conflicting classifications of pathogenicity. Review status: criteria provided, conflicting classifications (1 of 4 stars). 3 submissions from 3 submitters: Uncertain significance (1); Benign (1); Likely benign (1). Last evaluated 2025-07-02.

Conditions:
Inborn genetic diseases. Identifiers: MedGen C0950123, MeSH D030342.

Allele frequency attached by ClinVar (database versions not stated): gnomAD exomes 0.00009 and 0.00017; gnomAD 0.00029 and 0.00031; 1000 Genomes Project 30x 0.00031; ExAC 0.00033; 1000 Genomes Project 0.00040; TOPMed 0.00052; ESP Exome Variant Server 0.00062.
gnomAD v4.1: 175 of 1,585,412 alleles (0.011%); highest among the groups gnomAD compares: African/African-American, 0.12%; 2 homozygotes.

Submissions (3):

Labcorp Genetics (formerly Invitae), Labcorp
Classification: Benign. Last evaluated: 2025-07-02. Review status: criteria provided, single submitter. Criteria: Invitae Variant Classification Sherloc (09022015). Collection method: clinical testing. Allele origin: germline.

Ambry Genetics
Classification: Likely benign for Inborn genetic diseases. Last evaluated: 2024-03-08. Review status: criteria provided, single submitter. Criteria: Ambry Variant Classification Scheme 2023. Collection method: clinical testing. Allele origin: germline.

GeneDx
Classification: Uncertain significance. Last evaluated: 2022-12-30. Review status: criteria provided, single submitter. Criteria: GeneDx Variant Classification Process June 2021. Collection method: clinical testing. Allele origin: germline. Affected: yes.
Comment: In silico analysis supports that this missense variant has a deleterious effect on protein structure/function; Has not been previously published as pathogenic or benign to our knowledge